The following is an entry in ClinVar:

NM_007194.4(CHEK2):c.940G>A (p.Val314Met)

Gene: CHEK2 (checkpoint kinase 2; minus strand). Cytogenetic location: 22q12.1.
Variant type: single nucleotide variant.
Coding change: c.940G>A on transcript NM_007194.4 (MANE Select); coding-DNA position 940, G replaced by A.
Protein change: p.Val314Met; replaces valine 314 with methionine.
Molecular consequence: missense variant.
Genome position (GRCh38, 1-based): chr22:28,699,906, C>T on the plus strand (G>A on the coding strand, the complement: CHEK2 is on the minus strand). VCF-style: chr22-28699906-C-T. GRCh37 (hg19) VCF-style: chr22-29095894-C-T.
Other names: c.1069G>A, p.Val357Met (NM_001005735.3); c.277G>A, p.Val93Met (NM_001257387.3); c.739G>A, p.Val247Met (NM_001349956.3); c.940G>A, p.Val314Met (NM_145862.3); short protein forms V314M, V357M, V93M, V247M.
Identifiers: ClinVar variation 1766881 (VCV001766881.3), dbSNP rs778573074, ClinGen allele CA10167774.
Genomic context (GRCh38, chr22:28,699,906, plus strand): 5'-CCAAGAGCATCTGGTAAAAATAGAGCTTGCAGGTAGCTTCTTTCAGGCGTTTATTCCCCA[C>T]CACTTTGTCAAACAGCTCTCCCCCTTCCATCCTGAAACACAAAGGCAAGGCAAGGGGTTC-3'
Protein context (NP_009125.1, residues 304-324): MEGGELFDKV[Val314Met]GNKRLKEATC

ClinVar aggregate classification (germline): Uncertain significance. Review status: criteria provided, multiple submitters, no conflicts (2 of 4 stars). 2 submissions from 2 submitters: Uncertain significance (2). Last evaluated 2023-11-16.

Conditions:
Hereditary cancer-predisposing syndrome. Also called: Hereditary Cancer Syndrome; Hereditary neoplastic syndrome; Neoplastic Syndromes, Hereditary; Tumor predisposition. Identifiers: Orphanet 140162, MedGen C0027672, MeSH D009386, MONDO:0015356.

Allele frequency attached by ClinVar (database versions not stated): ExAC 0.00001.

Submissions (2):

Ambry Genetics
Classification: Uncertain significance for Hereditary cancer-predisposing syndrome. Last evaluated: 2023-11-16. Review status: criteria provided, single submitter. Criteria: Ambry Variant Classification Scheme 2023. Collection method: clinical testing. Allele origin: germline.
Comment: The p.V314M variant (also known as c.940G>A), located in coding exon 8 of the CHEK2 gene, results from a G to A substitution at nucleotide position 940. The valine at codon 314 is replaced by methionine, an amino acid with highly similar properties. This amino acid position is well conserved in available vertebrate species. In addition, this alteration is predicted to be tolerated by in silico analysis. Since supporting evidence is limited at this time, the clinical significance of this alteration remains unclear.

GeneDx
Classification: Uncertain significance. Last evaluated: 2023-05-09. Review status: criteria provided, single submitter. Criteria: GeneDx Variant Classification Process June 2021. Collection method: clinical testing. Allele origin: germline. Affected: yes.
Comment: Not observed at significant frequency in large population cohorts (gnomAD); In silico analysis supports that this missense variant does not alter protein structure/function; Has not been previously published as pathogenic or benign to our knowledge; This variant is associated with the following publications: (PMID: 22419737, 19782031)